The following is an entry in ClinVar:

ClinVar aggregate classification (germline): Uncertain significance (1 of 4 stars; one submission).

Allele frequency attached by ClinVar (database versions not stated): gnomAD 0.00003; ExAC 0.00005; 1000 Genomes Project 30x 0.00031; 1000 Genomes Project 0.00040.
gnomAD v4.1: 21 of 1,613,982 alleles (0.0013%); highest among the groups gnomAD compares: South Asian, 0.012%; no homozygotes.

Submission:

Labcorp Genetics (formerly Invitae), Labcorp
Classification: Uncertain significance. Last evaluated: 2022-04-09. Review status: criteria provided, single submitter. Criteria: Invitae Variant Classification Sherloc (09022015). Collection method: clinical testing. Allele origin: germline.
Comment: This sequence change replaces serine, which is neutral and polar, with leucine, which is neutral and non-polar, at codon 2377 of the MYO18B protein (p.Ser2377Leu). This variant is present in population databases (rs576505734, gnomAD 0.02%). This variant has not been reported in the literature in individuals affected with MYO18B-related conditions. Algorithms developed to predict the effect of missense changes on protein structure and function are either unavailable or do not agree on the potential impact of this missense change (SIFT: "Not Available"; PolyPhen-2: "Possibly Damaging"; Align-GVGD: "Not Available"). In summary, the available evidence is currently insufficient to determine the role of this variant in disease. Therefore, it has been classified as a Variant of Uncertain Significance.

NM_032608.7(MYO18B):c.7130C>T (p.Ser2377Leu)

Gene: MYO18B (myosin XVIIIB; plus strand). Cytogenetic location: 22q12.1.
Variant type: single nucleotide variant.
Coding change: c.7130C>T on transcript NM_032608.7 (MANE Select); coding-DNA position 7130, C replaced by T.
Protein change: p.Ser2377Leu; replaces serine 2377 with leucine.
Molecular consequence: missense variant.
Genome position (GRCh38, 1-based): chr22:26,027,104, C>T. VCF-style: chr22-26027104-C-T. GRCh37 (hg19) VCF-style: chr22-26423070-C-T.
Other names: c.7133C>T, p.Ser2378Leu (NM_001318245.2); short protein forms S2377L, S2378L.
Identifiers: ClinVar variation 1900428 (VCV001900428.2), dbSNP rs576505734, ClinGen allele CA10161697.